The following is an entry in ClinVar:

NM_002281.4(KRT81):c.*102G>C

Genes: KRT81 (keratin 81; minus strand), KRT86 (keratin 86; plus strand). Cytogenetic location: 12q13.13.
Variant type: single nucleotide variant.
Coding change: c.*102G>C on transcript NM_002281.4 (MANE Select); 102 bases downstream of the stop codon, G replaced by C.
Molecular consequence: 3 prime UTR variant. On other transcripts: intron variant (1).
Genome position (GRCh38, 1-based): chr12:52,286,153, C>G on the plus strand (G>C on the coding strand, the complement: KRT81 is on the minus strand). VCF-style: chr12-52286153-C-G. GRCh37 (hg19) VCF-style: chr12-52679937-C-G.
Other names: c.-5+10207C>G (NM_001320198.2).
Identifiers: ClinVar variation 1253561 (VCV001253561.3), dbSNP rs3660, ClinGen allele CA13589157.

ClinVar aggregate classification (germline): Benign. Review status: criteria provided, multiple submitters, no conflicts (2 of 4 stars). 2 submissions from 2 submitters: Benign (2). Last evaluated 2018-07-09.

Allele frequency attached by ClinVar (database versions not stated): gnomAD exomes 0.49017; TOPMed 0.49407; gnomAD 0.50201 and 0.51166.

Submissions (2):

GeneDx
Classification: Benign. Last evaluated: 2018-07-09. Review status: criteria provided, single submitter. Criteria: GeneDx Variant Classification Process June 2021. Collection method: clinical testing. Allele origin: germline. Affected: yes.
Comment: This variant is associated with the following publications: (PMID: 32678982, 25716425, 22539802, 23613771, 24530479)

Breakthrough Genomics
Classification: Benign. Review status: criteria provided, single submitter. Criteria: ACMG Guidelines, 2015. Collection method: not provided. Allele origin: germline. Inheritance: Autosomal dominant inheritance. Affected: yes.